The following is an entry in ClinVar:

NM_000112.4(SLC26A2):c.1157C>A (p.Ala386Glu)

Gene: SLC26A2 (solute carrier family 26 member 2; plus strand). Cytogenetic location: 5q32.
Variant type: single nucleotide variant.
Coding change: c.1157C>A on transcript NM_000112.4 (MANE Select); coding-DNA position 1157, C replaced by A.
Protein change: p.Ala386Glu; replaces alanine 386 with glutamic acid.
Molecular consequence: missense variant.
Genome position (GRCh38, 1-based): chr5:149,980,750, C>A. VCF-style: chr5-149980750-C-A. GRCh37 (hg19) VCF-style: chr5-149360313-C-A.
Other names: short protein forms A386E.
Identifiers: ClinVar variation 4687731 (VCV004687731.1).

ClinVar aggregate classification (germline): Uncertain significance (1 of 4 stars; one submission).

Submission:

Women's Health and Genetics/Laboratory Corporation of America, LabCorp
Classification: Uncertain significance. Last evaluated: 2025-10-27. Review status: criteria provided, single submitter. Criteria: LabCorp Variant Classification Summary - May 2015. Collection method: clinical testing. Allele origin: germline.
Comment: Variant summary: SLC26A2 c.1157C>A (p.Ala386Glu) results in a non-conservative amino acid change in the encoded protein sequence. Algorithms developed to predict the effect of missense changes on protein structure and function all suggest that this variant is likely to be disruptive. The variant was absent in 250946 control chromosomes. The available data on variant occurrences in the general population are insufficient to allow any conclusion about variant significance. To our knowledge, no occurrence of c.1157C>A in individuals affected with SLC26A2-related conditions and no experimental evidence demonstrating its impact on protein function have been reported. No submitters have cited clinical-significance assessments for this variant to ClinVar. Based on the evidence outlined above, the variant was classified as uncertain significance.